The following is an entry in ClinVar:

ClinVar aggregate classification (germline): Uncertain significance (1 of 4 stars; one submission).

Allele frequency attached by ClinVar (database versions not stated): TOPMed below 0.00001.
gnomAD v4.1: 2 of 1,614,126 alleles (0.00012%); highest among the groups gnomAD compares: Non-Finnish European, 0.00017%; no homozygotes.

Submission:

CeGaT Center for Human Genetics Tuebingen
Classification: Uncertain significance. Last evaluated: 2022-05-01. Review status: criteria provided, single submitter. Criteria: CeGaT Center For Human Genetics Tuebingen Variant Classification Criteria Version 2. Collection method: clinical testing. Allele origin: germline. Affected: yes. Observed: 1 variant allele.
Comment: TET2: PM2, BP4

NM_001127208.3(TET2):c.2147C>T (p.Ser716Leu)

Genes: TET2 (tet methylcytosine dioxygenase 2; plus strand), TET2-AS1 (TET2 antisense RNA 1; minus strand). Cytogenetic location: 4q24.
Variant type: single nucleotide variant.
Coding change: c.2147C>T on transcript NM_001127208.3 (MANE Select); coding-DNA position 2147, C replaced by T.
Protein change: p.Ser716Leu; replaces serine 716 with leucine.
Molecular consequence: missense variant.
Genome position (GRCh38, 1-based): chr4:105,236,089, C>T. VCF-style: chr4-105236089-C-T. GRCh37 (hg19) VCF-style: chr4-106157246-C-T.
Other names: c.2147C>T, p.Ser716Leu (NM_017628.4); short protein forms S716L.
Identifiers: ClinVar variation 2654999 (VCV002654999.24), dbSNP rs1169754208, ClinGen allele CA357798146.